The following is an entry in ClinVar:

ClinVar aggregate classification (germline): Conflicting classifications of pathogenicity. Review status: criteria provided, conflicting classifications (1 of 4 stars). 4 submissions from 4 submitters: Uncertain significance (3); Likely benign (1). Last evaluated 2025-09-17.

Conditions:
Inborn genetic diseases. Identifiers: MedGen C0950123, MeSH D030342.
Hypokalemic periodic paralysis, type 1. Also called: HypoPP; Hypokalemic Periodic Paralysis Type 1 (AD). Identifiers: Orphanet 681, MedGen C3714580, MONDO:0042979, OMIM 170400.
Malignant hyperthermia, susceptibility to, 5 (MHS5). Also called: CACNA1S-Related Malignant Hyperthermia Susceptibility. Identifiers: Orphanet 423, MedGen C1866077, MONDO:0011163, OMIM 601887.

Allele frequency attached by ClinVar (database versions not stated): ExAC 0.00001; gnomAD exomes 0.00002; gnomAD 0.00004; TOPMed 0.00004; ESP Exome Variant Server 0.00008.
gnomAD v4.1: 37 of 1,613,114 alleles (0.0023%); highest among the groups gnomAD compares: Non-Finnish European, 0.0028%; no homozygotes.

Submissions (4):

Labcorp Genetics (formerly Invitae), Labcorp
Classification: Likely benign for Hypokalemic periodic paralysis, type 1; Malignant hyperthermia, susceptibility to, 5. Last evaluated: 2025-09-17. Review status: criteria provided, single submitter. Criteria: Invitae Variant Classification Sherloc (09022015). Collection method: clinical testing. Allele origin: germline.

Ambry Genetics
Classification: Uncertain significance for Inborn genetic diseases. Last evaluated: 2025-05-14. Review status: criteria provided, single submitter. Criteria: Ambry Variant Classification Scheme 2023. Collection method: clinical testing. Allele origin: germline.

Color Diagnostics, LLC DBA Color Health
Classification: Uncertain significance for Malignant hyperthermia, susceptibility to, 5. Last evaluated: 2024-02-14. Review status: criteria provided, single submitter. Criteria: ACMG Guidelines, 2015. Collection method: clinical testing. Allele origin: germline.
Comment: This missense variant replaces glutamic acid with lysine at codon 1564 of the CACNA1S protein. Computational prediction is inconclusive regarding the impact of this variant on protein structure and function. To our knowledge, functional studies have not been reported for this variant. This variant has not been reported in individuals affected with CACNA1S-related disorders in the literature. This variant has been identified in 7/282074 chromosomes in the general population by the Genome Aggregation Database (gnomAD). The available evidence is insufficient to determine the role of this variant in disease conclusively. Therefore, this variant is classified as a Variant of Uncertain Significance.

GeneDx
Classification: Uncertain significance. Last evaluated: 2019-12-17. Review status: criteria provided, single submitter. Criteria: GeneDx Variant Classification Process June 2021. Collection method: clinical testing. Allele origin: germline. Affected: yes.
Comment: In silico analysis, which includes protein predictors and evolutionary conservation, supports that this variant does not alter protein structure/function; Has not been previously published as pathogenic or benign to our knowledge

NM_000069.3(CACNA1S):c.4690G>A (p.Glu1564Lys)

Gene: CACNA1S (calcium voltage-gated channel subunit alpha1 S; minus strand). Cytogenetic location: 1q32.1.
Variant type: single nucleotide variant.
Coding change: c.4690G>A on transcript NM_000069.3 (MANE Select); coding-DNA position 4690, G replaced by A.
Protein change: p.Glu1564Lys; replaces glutamic acid 1564 with lysine.
Molecular consequence: missense variant.
Genome position (GRCh38, 1-based): chr1:201,044,435, C>T on the plus strand (G>A on the coding strand, the complement: CACNA1S is on the minus strand). VCF-style: chr1-201044435-C-T. GRCh37 (hg19) VCF-style: chr1-201013563-C-T.
Other names: short protein forms E1564K.
Identifiers: ClinVar variation 583120 (VCV000583120.13), dbSNP rs368421264, ClinGen allele CA083540.